The following is an entry in ClinVar:

ClinVar aggregate classification (germline): Uncertain significance (1 of 4 stars; one submission).

Conditions:
Sotos syndrome (SOTOS). Also called: CHROMOSOME 5q35 DELETION SYNDROME; SOTOS SYNDROME 1; CEREBRAL GIGANTISM; Sotos' syndrome; Distinctive facial appearance, overgrowth in childhood, and learning disabilities or delayed development. Identifiers: Orphanet 821, MedGen C0175695, MONDO:0019349, OMIM 117550.

Submission:

Laboratorio de Genetica e Diagnostico Molecular, Hospital Israelita Albert Einstein
Classification: Uncertain significance for Sotos syndrome. Last evaluated: 2024-11-14. Review status: criteria provided, single submitter. Criteria: ACMG Guidelines, 2015. Collection method: clinical testing. Allele origin: germline. Affected: yes.
Comment: ACMG classification criteria: PM2 supporting, PP2 supporting, BP4 supporting

NM_022455.5(NSD1):c.5580C>A (p.Asp1860Glu)

Gene: NSD1 (nuclear receptor binding SET domain protein 1; plus strand). Cytogenetic location: 5q35.3.
Variant type: single nucleotide variant.
Coding change: c.5580C>A on transcript NM_022455.5 (MANE Select); coding-DNA position 5580, C replaced by A.
Protein change: p.Asp1860Glu; replaces aspartic acid 1860 with glutamic acid.
Molecular consequence: missense variant.
Genome position (GRCh38, 1-based): chr5:177,273,742, C>A. VCF-style: chr5-177273742-C-A. GRCh37 (hg19) VCF-style: chr5-176700743-C-A.
Other names: c.4707C>A, p.Asp1569Glu (NM_001365684.2, NM_001409308.1, NM_001409309.1 and 1 more transcripts); c.5580C>A, p.Asp1860Glu (NM_001409301.1, NM_001409302.1, NM_001409303.1); c.5160C>A, p.Asp1720Glu (NM_001409304.1); c.4827C>A, p.Asp1609Glu (NM_001409305.1); c.4818C>A, p.Asp1606Glu (NM_001409306.1, NM_001409307.1); short protein forms D1569E, D1606E, D1609E, D1720E, D1860E.
Identifiers: ClinVar variation 4056682 (VCV004056682.1).